The following is an entry in ClinVar:

NM_203446.3(SYNJ1):c.992T>C (p.Val331Ala)

Gene: SYNJ1 (synaptojanin 1; minus strand). Cytogenetic location: 21q22.11.
Variant type: single nucleotide variant.
Coding change: c.992T>C on transcript NM_203446.3 (MANE Select); coding-DNA position 992, T replaced by C.
Protein change: p.Val331Ala; replaces valine 331 with alanine.
Molecular consequence: missense variant.
Genome position (GRCh38, 1-based): chr21:32,685,874, A>G on the plus strand (T>C on the coding strand, the complement: SYNJ1 is on the minus strand). VCF-style: chr21-32685874-A-G. GRCh37 (hg19) VCF-style: chr21-34058184-A-G.
Other names: c.992T>C, p.Val331Ala (NM_001160302.2, NM_001160306.2); c.1109T>C, p.Val370Ala (NM_003895.4); short protein forms V331A, V370A.
Identifiers: ClinVar variation 3752611 (VCV003752611.2).
Genomic context (GRCh38, chr21:32,685,874, plus strand): 5'-AGAACACTATGTAATTTTTCTGCCTTTCCTCCCTTAACCATTTGATGATAGTCAAAATTC[A>G]CCATCTGGATATCAGCAGCATGTTCAGAAGCTTTCAAATGACTCTGAAAGTAAAAAGGCA-3'
Protein context (NP_982271.3, residues 321-341): ASEHAADIQM[Val331Ala]NFDYHQMVKG

ClinVar aggregate classification (germline): Uncertain significance (1 of 4 stars; one submission).

Conditions:
Developmental and epileptic encephalopathy, 53. Also called: Epileptic encephalopathy, early infantile, 53. Identifiers: MedGen C4479313, MONDO:0033362, OMIM 617389.
Early-onset Parkinson disease 20. Also called: PARKINSON DISEASE 20, AUTOSOMAL RECESSIVE EARLY-ONSET. Identifiers: Orphanet 391411, MedGen C3809824, MONDO:0014233, OMIM 615530.

gnomAD v4.1: 2 of 1,612,512 alleles (0.00012%); highest among the groups gnomAD compares: Non-Finnish European, 0.00017%; no homozygotes.

Submission:

Labcorp Genetics (formerly Invitae), Labcorp
Classification: Uncertain significance for Developmental and epileptic encephalopathy, 53; Early-onset Parkinson disease 20. Last evaluated: 2024-02-15. Review status: criteria provided, single submitter. Criteria: Invitae Variant Classification Sherloc (09022015). Collection method: clinical testing. Allele origin: germline.
Comment: This sequence change replaces valine, which is neutral and non-polar, with alanine, which is neutral and non-polar, at codon 370 of the SYNJ1 protein (p.Val370Ala). This variant is present in population databases (no rsID available, gnomAD 0.0009%). This variant has not been reported in the literature in individuals affected with SYNJ1-related conditions. Advanced modeling of protein sequence and biophysical properties (such as structural, functional, and spatial information, amino acid conservation, physicochemical variation, residue mobility, and thermodynamic stability) performed at Invitae indicates that this missense variant is expected to disrupt SYNJ1 protein function with a positive predictive value of 80%. In summary, the available evidence is currently insufficient to determine the role of this variant in disease. Therefore, it has been classified as a Variant of Uncertain Significance.